The following is an entry in ClinVar:

NM_007194.4(CHEK2):c.444+3A>C

Gene: CHEK2 (checkpoint kinase 2; minus strand). Cytogenetic location: 22q12.1.
Variant type: single nucleotide variant.
Coding change: c.444+3A>C on transcript NM_007194.4 (MANE Select); 3 bases into the intron after coding-DNA position 444, A replaced by C.
Molecular consequence: intron variant.
Genome position (GRCh38, 1-based): chr22:28,725,240, T>G on the plus strand (A>C on the coding strand, the complement: CHEK2 is on the minus strand). VCF-style: chr22-28725240-T-G. GRCh37 (hg19) VCF-style: chr22-29121228-T-G.
Other names: c.-220+3A>C (NM_001437942.1); c.444+3A>C (NM_001349956.3, NM_145862.3); c.-334+3A>C (NM_001257387.3); c.537+3A>C (NM_001438295.1, NM_001438293.1); c.573+3A>C (NM_001438294.1, NM_001005735.3).
Identifiers: ClinVar variation 652911 (VCV000652911.8), dbSNP rs587781279, ClinGen allele CA915952741.
Genomic context (GRCh38, chr22:28,725,240, plus strand): 5'-AAATATCTAAAAACAATGACCAAATTACCAGCTCTCCTAGATACATGGGTATTCATTACC[T>G]ACCCTGAAAATCCGAAAGTGTTTCTTGCTGTATGTTCGGTATTTATCTGTTCTTTTCAGC-3'

ClinVar aggregate classification (germline): Uncertain significance. Review status: criteria provided, multiple submitters, no conflicts (2 of 4 stars). 2 submissions from 2 submitters: Uncertain significance (2). Last evaluated 2025-06-09.

Conditions:
Hereditary cancer-predisposing syndrome. Also called: Neoplastic Syndromes, Hereditary; Tumor predisposition; Hereditary Cancer Syndrome; Hereditary neoplastic syndrome. Identifiers: Orphanet 140162, MedGen C0027672, MeSH D009386, MONDO:0015356.
Familial cancer of breast. Also called: hereditary breast carcinoma; BREAST CANCER, FAMILIAL; Hereditary breast cancer. Identifiers: Orphanet 227535, MedGen C0346153, MONDO:0016419, OMIM 114480. Disease mechanism: loss of function.

Submissions (2):

Ambry Genetics
Classification: Uncertain significance for Hereditary cancer-predisposing syndrome. Last evaluated: 2025-06-09. Review status: criteria provided, single submitter. Criteria: Ambry Variant Classification Scheme 2023. Collection method: clinical testing. Allele origin: germline.
Comment: The c.444+3A>C intronic variant results from an A to C substitution 3 nucleotides after coding exon 2 in the CHEK2 gene. This nucleotide position is well conserved in available vertebrate species. In silico splice site analysis predicts that this alteration will result in the creation or strengthening of a novel splice donor site; however, direct evidence is insufficient at this time (Ambry internal data). Based on the available evidence, the clinical significance of this variant remains unclear.

Labcorp Genetics (formerly Invitae), Labcorp
Classification: Uncertain significance for Familial cancer of breast. Last evaluated: 2020-11-17. Review status: criteria provided, single submitter. Criteria: Invitae Variant Classification Sherloc (09022015). Collection method: clinical testing. Allele origin: germline.
Comment: Nucleotide substitutions within the consensus splice site are a relatively common cause of aberrant splicing (PMID: 17576681, 9536098). Algorithms developed to predict the effect of sequence changes on RNA splicing suggest that this variant may disrupt the consensus splice site, but this prediction has not been confirmed by published transcriptional studies. In summary, the available evidence is currently insufficient to determine the role of this variant in disease. Therefore, it has been classified as a Variant of Uncertain Significance. This variant has not been reported in the literature in individuals with CHEK2-related disease. This variant is not present in population databases (ExAC no frequency). This sequence change falls in intron 3 of the CHEK2 gene. It does not directly change the encoded amino acid sequence of the CHEK2 protein, but it affects a nucleotide within the consensus splice site of the intron.

Literature cited by the submitters: PubMed 17576681 (cited by Labcorp Genetics (formerly Invitae), Labcorp); PubMed 9536098 (cited by Labcorp Genetics (formerly Invitae), Labcorp).